The following is an entry in ClinVar:

NM_001918.5(DBT):c.*470G>A

Gene: DBT (dihydrolipoamide branched chain transacylase E2; minus strand). Cytogenetic location: 1p21.2.
Variant type: single nucleotide variant.
Coding change: c.*470G>A on transcript NM_001918.5 (MANE Select); 470 bases downstream of the stop codon, G replaced by A.
Molecular consequence: 3 prime UTR variant.
Genome position (GRCh38, 1-based): chr1:100,195,785, C>T on the plus strand (G>A on the coding strand, the complement: DBT is on the minus strand). VCF-style: chr1-100195785-C-T. GRCh37 (hg19) VCF-style: chr1-100661341-C-T.
Identifiers: ClinVar variation 291448 (VCV000291448.6), dbSNP rs148424011, ClinGen allele CA10607178.
Genomic context (GRCh38, chr1:100,195,785, plus strand): 5'-CACGATCTCAGCTCACTGCAACCTCCACCTCCCAGGTTCAAGCGATTCTCCTGCCTCAGC[C>T]TCCCAAGTAGCTGGGATTATAGGTACCCACCACCACACCCGGCTAATTTTTGTATTTTTA-3'

ClinVar aggregate classification (germline): Benign. Review status: criteria provided, multiple submitters, no conflicts (2 of 4 stars). 2 submissions from 2 submitters: Benign (2). Last evaluated 2018-01-13.

Conditions:
Maple syrup urine disease (MSUD). Identifiers: Orphanet 511, MedGen C0024776, MeSH D008375, MONDO:0009563. Disease mechanism: loss of function.

Allele frequency attached by ClinVar (database versions not stated): 1000 Genomes Project 0.00859; 1000 Genomes Project 30x 0.00921; TOPMed 0.01608; gnomAD exomes 0.01785; gnomAD 0.01891 and 0.01941.

Submissions (2):

Illumina Laboratory Services, Illumina
Classification: Benign for Maple syrup urine disease type 1A. Last evaluated: 2018-01-13. Review status: criteria provided, single submitter. Criteria: ICSL Variant Classification Criteria 13 December 2019. Collection method: clinical testing. Allele origin: germline.
Comment: This variant was observed in the ICSL laboratory as part of a predisposition screen in an ostensibly healthy population. It had not been previously curated by ICSL or reported in the Human Gene Mutation Database (HGMD: prior to June 1st, 2018), and was therefore a candidate for classification through an automated scoring system. Utilizing variant allele frequency, disease prevalence and penetrance estimates, and inheritance mode, an automated score was calculated to assess if this variant is too frequent to cause the disease. Based on the score and internal cut-off values, a variant classified as benign is not then subjected to further curation. The score for this variant resulted in a classification of benign for this disease.

Breakthrough Genomics
Classification: Benign. Review status: criteria provided, single submitter. Criteria: ACMG Guidelines, 2015. Collection method: not provided. Allele origin: germline. Inheritance: Autosomal recessive inheritance. Affected: yes.